The following is an entry in ClinVar:

NM_003001.5(SDHC):c.388A>C (p.Asn130His)

Gene: SDHC (succinate dehydrogenase complex subunit C; plus strand). Cytogenetic location: 1q23.3.
Variant type: single nucleotide variant.
Coding change: c.388A>C on transcript NM_003001.5 (MANE Select); coding-DNA position 388, A replaced by C.
Protein change: p.Asn130His; replaces asparagine 130 with histidine.
Molecular consequence: missense variant. On other transcripts: non-coding transcript variant (1), intron variant (3).
Genome position (GRCh38, 1-based): chr1:161,356,823, A>C. VCF-style: chr1-161356823-A-C. GRCh37 (hg19) VCF-style: chr1-161326613-A-C.
Other names: c.286A>C, p.Asn96His (NM_001035512.3); c.229A>C, p.Asn77His (NM_001035513.3); c.508A>C, p.Asn170His (NM_001407115.1); c.331A>C, p.Asn111His (NM_001407116.1); c.325A>C, p.Asn109His (NM_001407117.1); c.280A>C, p.Asn94His (NM_001407118.1); c.277A>C, p.Asn93His (NM_001407119.1, NM_001407120.1); c.242-5506A>C (NM_001035511.3); and 2 more; short protein forms N109H, N111H, N130H, N170H, N77H, N93H, N94H, N96H.
Identifiers: ClinVar variation 3763682 (VCV003763682.2).

ClinVar aggregate classification (germline): Uncertain significance (1 of 4 stars; one submission).

Conditions:
Gastrointestinal stromal tumor. Also called: Gastrointestinal stromal tumor, somatic; Gastrointestinal stroma tumor. Identifiers: Orphanet 44890, MedGen C0238198, MeSH D046152, MONDO:0011719, OMIM 606764, HP:0100723.
Pheochromocytoma/paraganglioma syndrome 3. Also called: GLOMUS TUMORS, FAMILIAL, 3; Paragangliomas 3; SDHC-Related Hereditary Paraganglioma-Pheochromocytoma Syndrome (Paragangliomas 3); SDHC-Related Hereditary Paraganglioma-Pheochromocytoma Syndrome. Identifiers: Orphanet 29072, MedGen C1854336, MONDO:0011544, OMIM 605373.

Submission:

Labcorp Genetics (formerly Invitae), Labcorp
Classification: Uncertain significance for Pheochromocytoma/paraganglioma syndrome 3; Gastrointestinal stromal tumor. Last evaluated: 2024-09-29. Review status: criteria provided, single submitter. Criteria: Invitae Variant Classification Sherloc (09022015). Collection method: clinical testing. Allele origin: germline.
Comment: This sequence change replaces asparagine, which is neutral and polar, with histidine, which is basic and polar, at codon 130 of the SDHC protein (p.Asn130His). This variant is not present in population databases (gnomAD no frequency). This variant has not been reported in the literature in individuals affected with SDHC-related conditions. An algorithm developed to predict the effect of missense changes on protein structure and function (PolyPhen-2) suggests that this variant is likely to be disruptive. In summary, the available evidence is currently insufficient to determine the role of this variant in disease. Therefore, it has been classified as a Variant of Uncertain Significance.